The following is an entry in ClinVar:

NM_000545.8(HNF1A):c.196dup (p.Glu66fs)

Gene: HNF1A (HNF1 homeobox A; plus strand). Cytogenetic location: 12q24.31.
Variant type: Duplication.
Coding change: c.196dup on transcript NM_000545.8 (MANE Select); coding-DNA position 196, one base duplicated (G; older notation c.196dupG).
Protein change: p.Glu66fs; shifts the reading frame from glutamic acid 66.
Molecular consequence: frameshift variant.
Genome position (GRCh38, 1-based): chr12:120,978,964, G duplicated; the last of 5 consecutive G bases (chr12:120,978,960-120,978,964); duplicating any one gives the same sequence. VCF-style (leftmost placement, unchanged base first): chr12-120978959-T-TG. GRCh37 (hg19) VCF-style: chr12-121416762-T-TG.
Other names: NM_001306179.2:c.196dup; c.196dup, p.Glu66fs (NM_001306179.2); short protein forms E66fs.
Identifiers: ClinVar variation 1676689 (VCV001676689.3), dbSNP rs2135819929, ClinGen allele CA2573051037.
Genomic context (GRCh38, chr12:120,978,959, plus strand): 5'-TGGACAAGGGGGAGTCCTGCGGCGGCGGTCGAGGGGAGCTGGCTGAGCTGCCCAATGGGC[T>TG]GGGGGAGACTCGGGGCTCCGAGGACGAGACGGACGACGATGGGGAAGACTTCACGCCACC-3'

ClinVar aggregate classification (germline): Pathogenic (3 of 4 stars; one submission).

Conditions:
Monogenic diabetes. Identifiers: Orphanet 183625, MedGen C3888631, MONDO:0015967.

Submission:

ClinGen Monogenic Diabetes Variant Curation Expert Panel
Classification: Pathogenic for Monogenic diabetes. Last evaluated: 2022-04-03. Review status: reviewed by expert panel. Criteria: ClinGen Diabetes ACMG Specifications v1 1. Collection method: curation. Allele origin: germline. Inheritance: Autosomal dominant inheritance.
Comment: The c.196dupG variant in the HNF1 homeobox A gene, HNF1A, causes a frameshift in the protein at codon 66 (NM_000545.8), adding 30 novel amino acids before encountering a stop codon (p.(Glu66GlyfsTer30)). This variant, located in biologically-relevant exon 1 of 10, is predicted to lead to nonsense mediated decay in a gene in which loss-of-function is an established disease mechanism (PVS1; PMID: 23348805) and is absent from gnomAD v2.1.1 (PM2_Supporting). Additionally, this variant segregated with diabetes, with four informative meioses in two families with MODY (PP1_Strong; internal lab contributors). This variant was identified in four unrelated individuals with non- autoimmune and non-absolute/near-absolute insulin-deficient diabetes (PS4_Moderate; internal lab contributors). Lastly, this variant was identified in at least two individuals with a clinical history highly specific for HNF1A-MODY (MODY probability calculator result >50%, negative genetic testing for HNF4A, and negative autoantibodies) (PP4_Moderate; internal lab contributors). In summary, c.196dupG meets the criteria to be classified as pathogenic for monogenic diabetes. ACMG/AMP criteria applied, as specified by the ClinGen MDEP (specification version 1.1, approved 9/30/21): PVS1, PM2_Supporting, PP1_Strong, PP4_Moderate, PS4_Moderate.